The following is an entry in ClinVar:

NM_000179.3(MSH6):c.3454del (p.Ala1151_Val1152insTer)

Gene: MSH6 (mutS homolog 6; plus strand). Cytogenetic location: 2p16.3.
Variant type: Deletion.
Coding change: c.3454del on transcript NM_000179.3 (MANE Select); coding-DNA position 3454, one base deleted (G; older notation c.3454delG).
Protein change: p.Ala1151_Val1152insTer.
Molecular consequence: nonsense. On other transcripts: non-coding transcript variant (4).
Genome position (GRCh38, 1-based): chr2:47,804,925, G deleted. VCF-style (leftmost placement, unchanged base first): chr2-47804924-TG-T. GRCh37 (hg19) VCF-style: chr2-48032063-TG-T.
Other names: c.3064del, p.Ala1021_Val1022insTer (NM_001281492.2); c.2548del, p.Ala849_Val850insTer (NM_001281493.2, NM_001281494.2, NM_001406811.1 and 6 more transcripts); c.3550del, p.Ala1183_Val1184insTer (NM_001406795.1, NM_001406802.1); c.3454del, p.Ala1151_Val1152insTer (NM_001406796.1, NM_001406800.1, NM_001406808.1 and 1 more transcripts); c.3157del, p.Ala1052_Val1053insTer (NM_001406797.1, NM_001406801.1, NM_001406805.1 and 10 more transcripts); c.3280del, p.Ala1093_Val1094insTer (NM_001406798.1); c.2929del, p.Ala976_Val977insTer (NM_001406799.1, NM_001406806.1, NM_001406807.1); c.2590del, p.Ala863_Val864insTer (NM_001406803.1); and 7 more.
Identifiers: ClinVar variation 3650757 (VCV003650757.3).
Genomic context (GRCh38, chr2:47,804,924, plus strand): 5'-ACTGTTACTACCAGTCATAAAAGACCTTTTCCTCCCTCATTCACAGGCTGGCTTATTAGC[TG>T]TAATGGCCCAGATGGGTTGTTACGTCCCTGCTGAAGTGTGCAGGCTCACACCAATTGATA-3'

ClinVar aggregate classification (germline): Pathogenic. Review status: criteria provided, multiple submitters, no conflicts (2 of 4 stars). 2 submissions from 2 submitters: Pathogenic (2). Last evaluated 2026-03-04.

Conditions:
Hereditary cancer-predisposing syndrome. Also called: Hereditary Cancer Syndrome; Neoplastic Syndromes, Hereditary; Tumor predisposition; Hereditary neoplastic syndrome. Identifiers: Orphanet 140162, MedGen C0027672, MeSH D009386, MONDO:0015356.
Hereditary nonpolyposis colorectal neoplasms. Identifiers: MedGen C0009405, MeSH D003123.

Submissions (2):

Ambry Genetics
Classification: Pathogenic for Hereditary cancer-predisposing syndrome. Last evaluated: 2026-03-04. Review status: criteria provided, single submitter. Criteria: Ambry Variant Classification Scheme 2023. Collection method: clinical testing. Allele origin: germline.
Comment: The c.3454delG pathogenic mutation, located in coding exon 6 of the MSH6 gene, results from a deletion of one nucleotide at nucleotide position 3454, causing a translational frameshift with a predicted alternate stop codon (p.V1152*). This variant is considered to be rare based on population cohorts in the Genome Aggregation Database (gnomAD). This alteration is expected to result in loss of function by premature protein truncation or nonsense-mediated mRNA decay. As such, this alteration is interpreted as a disease-causing mutation.

Labcorp Genetics (formerly Invitae), Labcorp
Classification: Pathogenic for Hereditary nonpolyposis colorectal neoplasms. Last evaluated: 2024-04-24. Review status: criteria provided, single submitter. Criteria: Invitae Variant Classification Sherloc (09022015). Collection method: clinical testing. Allele origin: germline.
Comment: This sequence change creates a premature translational stop signal (p.Val1152*) in the MSH6 gene. It is expected to result in an absent or disrupted protein product. Loss-of-function variants in MSH6 are known to be pathogenic (PMID: 18269114, 24362816). This variant is not present in population databases (gnomAD no frequency). This variant has not been reported in the literature in individuals affected with MSH6-related conditions. For these reasons, this variant has been classified as Pathogenic.

Literature cited by the submitters: PubMed 18269114 (cited by Labcorp Genetics (formerly Invitae), Labcorp); PubMed 24362816 (cited by Labcorp Genetics (formerly Invitae), Labcorp).